The following is an entry in ClinVar:

ClinVar aggregate classification (germline): Uncertain significance (1 of 4 stars; one submission).

Conditions:
Hereditary spastic paraplegia 11. Also called: Spastic Paraplegia 11; Spastic paraplegia, mental retardation and thin corpus callosum; Nakamura Osame syndrome; Autosomal recessive hereditary spastic paraplegia, mental impairment, and thin corpus callosum; SPASTIC PARAPLEGIA, AUTOSOMAL RECESSIVE, COMPLICATED, WITH THIN CORPUS CALLOSUM; SPASTIC PARAPLEGIA, AUTOSOMAL RECESSIVE, WITH MENTAL IMPAIRMENT AND THIN CORPUS CALLOSUM. Identifiers: Orphanet 2822, MedGen C1858479, MONDO:0011445, OMIM 604360.

Submission:

Labcorp Genetics (formerly Invitae), Labcorp
Classification: Uncertain significance for Hereditary spastic paraplegia 11. Last evaluated: 2022-03-01. Review status: criteria provided, single submitter. Criteria: Invitae Variant Classification Sherloc (09022015). Collection method: clinical testing. Allele origin: germline.
Comment: In summary, the available evidence is currently insufficient to determine the role of this variant in disease. Therefore, it has been classified as a Variant of Uncertain Significance. Algorithms developed to predict the effect of missense changes on protein structure and function are either unavailable or do not agree on the potential impact of this missense change (SIFT: "Tolerated"; PolyPhen-2: "Possibly Damaging"; Align-GVGD: "Class C0"). This variant has not been reported in the literature in individuals affected with SPG11-related conditions. This variant is not present in population databases (gnomAD no frequency). This sequence change replaces glutamine, which is neutral and polar, with lysine, which is basic and polar, at codon 1400 of the SPG11 protein (p.Gln1400Lys).

NM_025137.4(SPG11):c.4198C>A (p.Gln1400Lys)

Genes: SPG11 (SPG11 vesicle trafficking associated, spatacsin; minus strand), LOC130056973 (ATAC-STARR-seq lymphoblastoid active region 9341; plus strand). Cytogenetic location: 15q21.1.
Variant type: single nucleotide variant.
Coding change: c.4198C>A on transcript NM_025137.4 (MANE Select); coding-DNA position 4198, C replaced by A.
Protein change: p.Gln1400Lys; replaces glutamine 1400 with lysine.
Molecular consequence: missense variant.
Genome position (GRCh38, 1-based): chr15:44,596,319, G>T on the plus strand (C>A on the coding strand, the complement: SPG11 is on the minus strand). VCF-style: chr15-44596319-G-T. GRCh37 (hg19) VCF-style: chr15-44888517-G-T.
Other names: c.4198C>A, p.Gln1400Lys (NM_001160227.2, NM_001411132.1); short protein forms Q1400K.
Identifiers: ClinVar variation 2105141 (VCV002105141.4), dbSNP rs1482197593, ClinGen allele CA392228520.